The following is an entry in ClinVar:

ClinVar aggregate classification (germline): Uncertain significance (1 of 4 stars; one submission).

Conditions:
Chédiak-Higashi syndrome (CHS). Also called: Chediak-Higashi Syndrome. Identifiers: Orphanet 167, MedGen C0007965, MONDO:0008963, OMIM 214500.

Allele frequency attached by ClinVar (database versions not stated): gnomAD exomes below 0.00001; TOPMed below 0.00001.
gnomAD v4.1: 2 of 1,614,034 alleles (0.00012%); highest among the groups gnomAD compares: Non-Finnish European, 0.00017%; no homozygotes.

Submission:

Labcorp Genetics (formerly Invitae), Labcorp
Classification: Uncertain significance for Chédiak-Higashi syndrome. Last evaluated: 2022-09-17. Review status: criteria provided, single submitter. Criteria: Invitae Variant Classification Sherloc (09022015). Collection method: clinical testing. Allele origin: germline.
Comment: This sequence change replaces leucine, which is neutral and non-polar, with proline, which is neutral and non-polar, at codon 455 of the LYST protein (p.Leu455Pro). In summary, the available evidence is currently insufficient to determine the role of this variant in disease. Therefore, it has been classified as a Variant of Uncertain Significance. Advanced modeling of protein sequence and biophysical properties (such as structural, functional, and spatial information, amino acid conservation, physicochemical variation, residue mobility, and thermodynamic stability) has been performed at Invitae for this missense variant, however the output from this modeling did not meet the statistical confidence thresholds required to predict the impact of this variant on LYST protein function. This variant has not been reported in the literature in individuals affected with LYST-related conditions. This variant is not present in population databases (gnomAD no frequency).

NM_000081.4(LYST):c.1364T>C (p.Leu455Pro)

Gene: LYST (lysosomal trafficking regulator; minus strand). Cytogenetic location: 1q42.3.
Variant type: single nucleotide variant.
Coding change: c.1364T>C on transcript NM_000081.4 (MANE Select); coding-DNA position 1364, T replaced by C.
Protein change: p.Leu455Pro; replaces leucine 455 with proline.
Molecular consequence: missense variant.
Genome position (GRCh38, 1-based): chr1:235,809,454, A>G on the plus strand (T>C on the coding strand, the complement: LYST is on the minus strand). VCF-style: chr1-235809454-A-G. GRCh37 (hg19) VCF-style: chr1-235972754-A-G.
Other names: c.1364T>C, p.Leu455Pro (NM_001301365.1); short protein forms L455P.
Identifiers: ClinVar variation 2042149 (VCV002042149.4), dbSNP rs1673215728, ClinGen allele CA344962565.